The following is an entry in ClinVar:

NM_032242.4(PLXNA1):c.4074C>T (p.Phe1358=)

Gene: PLXNA1 (plexin A1; plus strand). Cytogenetic location: 3q21.3.
Variant type: single nucleotide variant.
Coding change: c.4074C>T on transcript NM_032242.4 (MANE Select); coding-DNA position 4074, C replaced by T.
Protein change: p.Phe1358=; no amino-acid change (phenylalanine 1358 retained).
Molecular consequence: synonymous variant.
Genome position (GRCh38, 1-based): chr3:127,022,120, C>T. VCF-style: chr3-127022120-C-T. GRCh37 (hg19) VCF-style: chr3-126740963-C-T.
Identifiers: ClinVar variation 3355188 (VCV003355188.1).
Genomic context (GRCh38, chr3:127,022,120, plus strand): 5'-GTCTGAGCTCTGTGTGCTCCCTCAGGTGCAGGCCAATGTGGAGAAGTCGCTGACACTGTT[C>T]GGGCAGCTGCTGACCAAGAAGCACTTCCTGCTGACCTTCATCCGCACGCTGGAGGCACAG-3'
Protein context (NP_115618.3, residues 1348-1368): QANVEKSLTL[Phe1358=]GQLLTKKHFL

ClinVar aggregate classification (germline): Likely benign (0 of 4 stars; one submission).

Conditions:
PLXNA1-related disorder. Also called: PLXNA1-related condition.

Submission:

PreventionGenetics, part of Exact Sciences
Classification: Likely benign for PLXNA1-related condition. Last evaluated: 2021-08-25. Review status: no assertion criteria provided. Collection method: clinical testing. Allele origin: germline.
Comment: This variant is classified as likely benign based on ACMG/AMP sequence variant interpretation guidelines (Richards et al. 2015 PMID: 25741868, with internal and published modifications).